The following is an entry in ClinVar:

NM_000094.4(COL7A1):c.426+9_426+18del

Gene: COL7A1 (collagen type VII alpha 1 chain; minus strand). Cytogenetic location: 3p21.31.
Variant type: Deletion.
Coding change: c.426+9_426+18del on transcript NM_000094.4 (MANE Select); bases 9 to 18 of the intron after coding-DNA position 426, 10 bases deleted (TACCCCTACC; older notation c.426+9_426+18delTACCCCTACC).
Molecular consequence: intron variant.
Genome position (GRCh38, 1-based): chr3:48,593,519-48,593,528, GGTAGGGGTA deleted on the plus strand (TACCCCTACC on the coding strand, the reverse complement: COL7A1 is on the minus strand); deleting any 10 consecutive bases within chr3:48,593,519-48,593,530 gives the same sequence; the c. name uses the placement nearest the transcript's 3' end. VCF-style (leftmost placement, unchanged base first): chr3-48593518-TGGTAGGGGTA-T. GRCh37 (hg19) VCF-style: chr3-48630951-TGGTAGGGGTA-T.
Identifiers: ClinVar variation 2029930 (VCV002029930.1), dbSNP rs2531349673, ClinGen allele CA2580069944.
Genomic context (GRCh38, chr3:48,593,518, plus strand): 5'-GGTGCAGGGGTCAAATCACGGTTCCCCTGGACACTTCATTTGGGGTCATCTTGGGAGGCA[TGGTAGGGGTA>T]GGGATCACCTTGGGGACACCAGGTCGGGCCAGCTGGGGCAGGAAGACATGGTCAGCCACA-3'

ClinVar aggregate classification (germline): Uncertain significance (1 of 4 stars; one submission).

Submission:

Labcorp Genetics (formerly Invitae), Labcorp
Classification: Uncertain significance. Last evaluated: 2022-09-29. Review status: criteria provided, single submitter. Criteria: Invitae Variant Classification Sherloc (09022015). Collection method: clinical testing. Allele origin: germline.
Comment: This sequence change falls in intron 3 of the COL7A1 gene. It does not directly change the encoded amino acid sequence of the COL7A1 protein. This variant is not present in population databases (gnomAD no frequency). This variant has not been reported in the literature in individuals affected with COL7A1-related conditions. Algorithms developed to predict the effect of sequence changes on RNA splicing suggest that this variant may disrupt the consensus splice site. In summary, the available evidence is currently insufficient to determine the role of this variant in disease. Therefore, it has been classified as a Variant of Uncertain Significance.